The following is an entry in ClinVar:

NC_000002.12:g.121530881A>C

Genes: CLASP1 (cytoplasmic linker associated protein 1; minus strand), CLASP1-AS1 (CLASP1 antisense RNA 1; plus strand), RNU4ATAC (RNA, U4atac small nuclear; plus strand). Cytogenetic location: 2q14.2.
Variant type: single nucleotide variant.
Molecular consequence: intron variant (on NM_001395891.1).
Genome position: GRCh38 VCF-style: chr2-121530881-A-C. GRCh37 (hg19) VCF-style: chr2-122288457-A-C.
Other names: c.196-556T>G (NM_001142274.2, NM_015282.3, NM_001378003.1 and 5 more transcripts).
Identifiers: ClinVar variation 1508358 (VCV001508358.5), dbSNP rs1339722202, ClinGen allele CA428887749.

ClinVar aggregate classification (germline): Uncertain significance. Review status: criteria provided, multiple submitters, no conflicts (2 of 4 stars). 2 submissions from 2 submitters: Uncertain significance (2). Last evaluated 2024-11-07.

gnomAD v4.1: 24 of 692,068 alleles (0.0035%); highest among the groups gnomAD compares: Non-Finnish European, 0.0045%; no homozygotes.

Submissions (2):

Blueprint Genetics
Classification: Uncertain significance. Last evaluated: 2024-11-07. Review status: criteria provided, single submitter. Criteria: ACMG Guidelines, 2015. Collection method: clinical testing. Allele origin: germline.

Labcorp Genetics (formerly Invitae), Labcorp
Classification: Uncertain significance. Last evaluated: 2023-05-02. Review status: criteria provided, single submitter. Criteria: Invitae Variant Classification Sherloc (09022015). Collection method: clinical testing. Allele origin: germline.
Comment: In summary, the available evidence is currently insufficient to determine the role of this variant in disease. Therefore, it has been classified as a Variant of Uncertain Significance. Experimental studies and prediction algorithms are not available or were not evaluated, and the functional significance of this variant is currently unknown. ClinVar contains an entry for this variant (Variation ID: 1508358). This variant has not been reported in the literature in individuals affected with RNU4ATAC-related conditions. This variant is present in population databases (no rsID available, gnomAD 0.007%). This variant occurs in the RNU4ATAC gene, which encodes an RNA molecule that does not result in a protein product.